The following is an entry in ClinVar:

ClinVar aggregate classification (germline): Pathogenic. Review status: reviewed by expert panel (3 of 4 stars). 2 submissions from 2 submitters: Pathogenic (1). 1 of the submissions does not count toward it. Last evaluated 2016-09-08.

Conditions:
Breast-ovarian cancer, familial, susceptibility to, 2 (BROVCA2). Also called: BRCA2 Hereditary Breast and Ovarian Cancer. Identifiers: Orphanet 145, MedGen C2675520, MONDO:0012933, OMIM 612555. Disease mechanism: loss of function.

Submissions (2):

Evidence-based Network for the Interpretation of Germline Mutant Alleles (ENIGMA)
Classification: Pathogenic for Breast-ovarian cancer, familial, susceptibility to, 2. Last evaluated: 2016-09-08. Review status: reviewed by expert panel. Criteria: ENIGMA BRCA1/2 Classification Criteria (2015). Collection method: curation. Allele origin: germline.
Comment: Variant allele predicted to encode a truncated non-functional protein.

Breast Cancer Information Core (BIC) (BRCA2)
Classification: Pathogenic for Breast-ovarian cancer, familial 2. Last evaluated: 2002-05-29. Review status: no assertion criteria provided. Collection method: clinical testing. Allele origin: germline. Affected: yes. Observed: 1 variant allele. Not counted in ClinVar's aggregate classification.

NM_000059.4(BRCA2):c.1362dup (p.Ser455fs)

Gene: BRCA2 (BRCA2 DNA repair associated; plus strand). Cytogenetic location: 13q13.1.
Variant type: Duplication.
Coding change: c.1362dup on transcript NM_000059.4 (MANE Select); coding-DNA position 1362, one base duplicated (A; older notation c.1362dupA).
Protein change: p.Ser455fs; shifts the reading frame from serine 455.
Molecular consequence: frameshift variant.
Genome position (GRCh38, 1-based): chr13:32,332,840, A duplicated; the last of 4 consecutive A bases (chr13:32,332,837-32,332,840); duplicating any one gives the same sequence. VCF-style (leftmost placement, unchanged base first): chr13-32332836-C-CA. GRCh37 (hg19) VCF-style: chr13-32906973-C-CA.
Other names: 1590insA; c.1362dupA (NM_000059.3); short protein forms S455fs.
Identifiers: ClinVar variation 125942 (VCV000125942.2), dbSNP rs80359282, ClinGen allele CA011750.